The following is an entry in ClinVar:

ClinVar aggregate classification (germline): Benign. Review status: criteria provided, multiple submitters, no conflicts (2 of 4 stars). 2 submissions from 2 submitters: Benign (2). Last evaluated 2018-06-19.

Allele frequency attached by ClinVar (database versions not stated): gnomAD exomes 0.06690; gnomAD 0.11261 and 0.11499; TOPMed 0.12366; 1000 Genomes Project 0.13399; 1000 Genomes Project 30x 0.13851.
gnomAD v4.1: 55,801 of 730,950 alleles (7.6%); highest among the groups gnomAD compares: African/African-American, 22%; 3,493 homozygotes.

Submissions (2):

GeneDx
Classification: Benign. Last evaluated: 2018-06-19. Review status: criteria provided, single submitter. Criteria: GeneDx Variant Classification (06012015). Collection method: clinical testing. Allele origin: germline. Affected: yes.
Comment: This variant is considered likely benign or benign based on one or more of the following criteria: it is a conservative change, it occurs at a poorly conserved position in the protein, it is predicted to be benign by multiple in silico algorithms, and/or has population frequency not consistent with disease.

Breakthrough Genomics
Classification: Benign. Review status: criteria provided, single submitter. Criteria: ACMG Guidelines, 2015. Collection method: not provided. Allele origin: germline. Inheritance: Autosomal recessive inheritance. Affected: yes.

NM_003640.5(ELP1):c.959-118C>T

Gene: ELP1 (elongator acetyltransferase complex subunit 1; minus strand). Cytogenetic location: 9q31.3.
Variant type: single nucleotide variant.
Coding change: c.959-118C>T on transcript NM_003640.5 (MANE Select); 118 bases into the intron before coding-DNA position 959, C replaced by T.
Molecular consequence: intron variant.
Genome position (GRCh38, 1-based): chr9:108,912,612, G>A on the plus strand (C>T on the coding strand, the complement: ELP1 is on the minus strand). VCF-style: chr9-108912612-G-A. GRCh37 (hg19) VCF-style: chr9-111674892-G-A.
Other names: c.617-118C>T (NM_001318360.2); c.-89-118C>T (NM_001330749.2).
Identifiers: ClinVar variation 681859 (VCV000681859.2), dbSNP rs10979608, ClinGen allele CA15621028.